The following is an entry in ClinVar:

NM_000093.5(COL5A1):c.3069dup (p.Gly1024fs)

Gene: COL5A1 (collagen type V alpha 1 chain; plus strand). Cytogenetic location: 9q34.3.
Variant type: Duplication.
Coding change: c.3069dup on transcript NM_000093.5 (MANE Select); coding-DNA position 3069, one base duplicated (C; older notation c.3069dupC).
Protein change: p.Gly1024fs; shifts the reading frame from glycine 1024.
Molecular consequence: frameshift variant.
Genome position (GRCh38, 1-based): chr9:134,802,950, C duplicated; the last of 6 consecutive C bases (chr9:134,802,945-134,802,950); duplicating any one gives the same sequence. VCF-style (leftmost placement, unchanged base first): chr9-134802944-A-AC. GRCh37 (hg19) VCF-style: chr9-137694790-A-AC.
Other names: c.3069dup, p.Gly1024fs (NM_001278074.1); short protein forms G1024fs.
Identifiers: ClinVar variation 213033 (VCV000213033.15), dbSNP rs863223473, ClinGen allele CA324537.

ClinVar aggregate classification (germline): Pathogenic/Likely pathogenic. Review status: criteria provided, multiple submitters, no conflicts (2 of 4 stars). 3 submissions from 3 submitters: Pathogenic (2); Likely pathogenic (1). Last evaluated 2022-12-06.

Conditions:
Ehlers-Danlos syndrome, classic type, 1 (EDSCL1). Also called: Ehlers-Danlos Syndrome, Classic Type, COL5A1-Related; EHLERS-DANLOS SYNDROME, GRAVIS TYPE; EHLERS-DANLOS SYNDROME, SEVERE CLASSIC TYPE; Ehlers-Danlos syndrome, type 1; EDS I. Identifiers: MedGen C0268335, MONDO:0019567, OMIM 130000.
Familial thoracic aortic aneurysm and aortic dissection (TAAD). Also called: Thoracic aortic aneurysms and dissections. Identifiers: Orphanet 91387, MedGen C4707243, MONDO:0019625.

Submissions (3):

Labcorp Genetics (formerly Invitae), Labcorp
Classification: Pathogenic for Ehlers-Danlos syndrome, classic type, 1. Last evaluated: 2022-12-06. Review status: criteria provided, single submitter. Criteria: Invitae Variant Classification Sherloc (09022015). Collection method: clinical testing. Allele origin: germline.
Comment: For these reasons, this variant has been classified as Pathogenic. ClinVar contains an entry for this variant (Variation ID: 213033). This premature translational stop signal has been observed in individual(s) with Ehlers-Danlos syndrome (PMID: 22696272). This variant is not present in population databases (gnomAD no frequency). This sequence change creates a premature translational stop signal (p.Gly1024Argfs*2) in the COL5A1 gene. It is expected to result in an absent or disrupted protein product. Loss-of-function variants in COL5A1 are known to be pathogenic (PMID: 23587214).

Ambry Genetics
Classification: Pathogenic for Familial thoracic aortic aneurysm and aortic dissection. Last evaluated: 2017-09-12. Review status: criteria provided, single submitter. Criteria: Ambry Variant Classification Scheme 2023. Collection method: clinical testing. Allele origin: germline.
Comment: The c.3069dupC pathogenic mutation, located in coding exon 39 of the COL5A1 gene, results from a duplication of C at nucleotide position 3069, causing a translational frameshift with a predicted alternate stop codon (p.G1024Rfs*2). This mutation was detected in a cohort of individuals with confirmed or suspected Ehlers-Danlos syndrome (EDS), classic type (Symoens S et al. Hum. Mutat., 2012 Oct;33:1485-93). In addition to the clinical data presented in the literature, this alteration is expected to result in loss of function by premature protein truncation or nonsense-mediated mRNA decay. As such, this alteration is interpreted as a disease-causing mutation.

GeneDx
Classification: Likely pathogenic. Last evaluated: 2017-02-17. Review status: criteria provided, single submitter. Criteria: GeneDx Variant Classification (06012015). Collection method: clinical testing. Allele origin: germline. Affected: yes.
Comment: The c.3069dupC variant that is likely pathogenic was identified in the COL5A1 gene. The c.3069dupC variant has been previously reported in one individual from a cohort of patients with a clinical diagnosis or suspicion of classic Ehlers-Danlos syndrome (EDS) (Symoens et al., 2012). However, this individual reportedly had a normal electrophoretic pattern of types I, III, and V collagens and no further information regarding this individual's clinical or family history was reported. Additionally, no segregation or functional studies were performed to further clarify this variant's pathogenicity. Nevertheless, the c.3069dupC variant causes a shift in reading frame starting at codon Glycine 1024, changing it to a Arginine, and creating a premature stop codon at position 2 of the new reading frame, denoted p.Gly1024ArgfsX2. This likely pathogenic variant is expected to result in either an abnormal, truncated protein product or loss of protein from this allele through nonsense-mediated mRNA decay. Multiple other frameshift variants in the COL5A1 gene have been reported in Human Gene Mutation Database in association with EDS (Stenson et al., 2014). Furthermore, the c.3069dupC variant has not been observed in large population cohorts (Lek et al., 2016; 1000 Genomes Consortium et al., 2015; Exome Variant Server).In summary, c.3069dupC in the COL5A1 gene is interpreted as a likely pathogenic variant.

Literature cited by the submitters: PubMed 22696272 (cited by Labcorp Genetics (formerly Invitae), Labcorp and Ambry Genetics); PubMed 23587214 (cited by Labcorp Genetics (formerly Invitae), Labcorp).